The following is an entry in ClinVar:

ClinVar aggregate classification (germline): Benign/Likely benign. Review status: criteria provided, multiple submitters, no conflicts (2 of 4 stars). 3 submissions from 3 submitters: Benign (1); Likely benign (1). 1 of the submissions does not count toward it. Last evaluated 2024-08-14.

Conditions:
TAF15-related disorder. Also called: TAF15-related condition.

Allele frequency attached by ClinVar (database versions not stated): gnomAD exomes 0.00028 and 0.00010; 1000 Genomes Project 0.00080; 1000 Genomes Project 30x 0.00094; TOPMed 0.00107; ExAC 0.00028; gnomAD 0.00094 and 0.00088; ESP Exome Variant Server 0.00115.
gnomAD v4.1: 293 of 1,613,062 alleles (0.018%); highest among the groups gnomAD compares: African/African-American, 0.33%; 1 homozygote.

Submissions (3):

Mayo Clinic Laboratories, Mayo Clinic
Classification: Likely benign. Last evaluated: 2024-08-14. Review status: criteria provided, single submitter. Criteria: ACMG Guidelines, 2015. Collection method: clinical testing. Allele origin: germline. Observed: 2 variant alleles.
Comment: BS2, BP4, BP5, BP7

GeneDx
Classification: Benign. Last evaluated: 2020-11-06. Review status: criteria provided, single submitter. Criteria: GeneDx Variant Classification Process June 2021. Collection method: clinical testing. Allele origin: germline. Affected: yes.

PreventionGenetics, part of Exact Sciences
Classification: Likely benign for TAF15-related condition. Last evaluated: 2019-07-11. Review status: no assertion criteria provided. Collection method: clinical testing. Allele origin: germline. Not counted in ClinVar's aggregate classification.
Comment: This variant is classified as likely benign based on ACMG/AMP sequence variant interpretation guidelines (Richards et al. 2015 PMID: 25741868, with internal and published modifications).

NM_139215.3(TAF15):c.660C>T (p.Pro220=)

Gene: TAF15 (TATA-box binding protein associated factor 15; plus strand). Cytogenetic location: 17q12.
Variant type: single nucleotide variant.
Coding change: c.660C>T on transcript NM_139215.3 (MANE Select); coding-DNA position 660, C replaced by T.
Protein change: p.Pro220=; no amino-acid change (proline 220 retained).
Molecular consequence: synonymous variant.
Genome position (GRCh38, 1-based): chr17:35,834,585, C>T. VCF-style: chr17-35834585-C-T. GRCh37 (hg19) VCF-style: chr17-34161589-C-T.
Other names: p.Pro220=; c.651C>T, p.Pro217= (NM_003487.4).
Identifiers: ClinVar variation 1221174 (VCV001221174.6), dbSNP rs138790468, ClinGen allele CA290035500.
Genomic context (GRCh38, chr17:35,834,585, plus strand): 5'-AATTGCCTTAAATAGCTCTTTTTTCTTTTCTTTTCCCTTAGGTCACAGGGATTATGGACC[C>T]AGAACAGATGCTGGTAAGGTTTATGGTGGTTTGTCACTTTGCCATTAAGAAAATGTTAGT-3'
Protein context (NP_631961.1, residues 210-230): KNFGGHRDYG[Pro220=]RTDADSESDN